The following is an entry in ClinVar:

NC_000011.9:g.(?_108141210)_(108143589_?)del

Gene: ATM (ATM serine/threonine kinase; plus strand). Cytogenetic location: 11q22.3.
Variant type: Deletion.
Identifiers: ClinVar variation 1459717 (VCV001459717.4).

ClinVar aggregate classification (germline): Pathogenic (1 of 4 stars; one submission).

Conditions:
Ataxia-telangiectasia syndrome (AT). Also called: Ataxia-telangiectasia, complementation group E; LOUIS-BAR SYNDROME; Ataxia-telangiectasia, complementation group D; AT, COMPLEMENTATION GROUP C; Ataxia-telangiectasia; Cerebello-oculocutaneous telangiectasia. Identifiers: Orphanet 100, MedGen C0004135, MONDO:0008840, OMIM 208900.

Submission:

Labcorp Genetics (formerly Invitae), Labcorp
Classification: Pathogenic for Ataxia-telangiectasia syndrome. Last evaluated: 2021-07-08. Review status: criteria provided, single submitter. Criteria: Invitae Variant Classification Sherloc (09022015). Collection method: clinical testing. Allele origin: germline.
Comment: For these reasons, this variant has been classified as Pathogenic. This variant has not been reported in the literature in individuals affected with ATM-related conditions. This variant is a gross deletion of the genomic region encompassing exon(s) 19-22 of the ATM gene. This deletion is out-of-frame, and is expected to create a premature translational stop signal and result in an absent or disrupted protein product. Loss-of-function variants in ATM are known to be pathogenic (PMID: 23807571, 25614872).

Literature cited by the submitters: PubMed 23807571; PubMed 25614872.